The following is an entry in ClinVar:

ClinVar aggregate classification (germline): Conflicting classifications of pathogenicity. Review status: criteria provided, conflicting classifications (1 of 4 stars). 2 submissions from 2 submitters: Uncertain significance (1); Likely benign (1). Last evaluated 2024-04-10.

Conditions:
Inborn genetic diseases. Identifiers: MedGen C0950123, MeSH D030342.

Allele frequency attached by ClinVar (database versions not stated): gnomAD exomes 0.00001 and 0.00004; ExAC 0.00002; gnomAD 0.00004; TOPMed 0.00007; ESP Exome Variant Server 0.00008.
gnomAD v4.1: 26 of 1,613,956 alleles (0.0016%); highest among the groups gnomAD compares: African/African-American, 0.0093%; no homozygotes.

Submissions (2):

GeneDx
Classification: Uncertain significance. Last evaluated: 2024-04-10. Review status: criteria provided, single submitter. Criteria: GeneDx Variant Classification Process June 2021. Collection method: clinical testing. Allele origin: germline. Affected: yes.
Comment: In silico analysis indicates that this missense variant does not alter protein structure/function; Has not been previously published as pathogenic or benign to our knowledge

Ambry Genetics
Classification: Likely benign for Inborn genetic diseases. Last evaluated: 2023-04-26. Review status: criteria provided, single submitter. Criteria: Ambry Variant Classification Scheme 2023. Collection method: clinical testing. Allele origin: germline.

NM_001083961.2(WDR62):c.4307G>A (p.Arg1436His)

Gene: WDR62 (WD repeat domain 62; plus strand). Cytogenetic location: 19q13.12.
Variant type: single nucleotide variant.
Coding change: c.4307G>A on transcript NM_001083961.2 (MANE Select); coding-DNA position 4307, G replaced by A.
Protein change: p.Arg1436His; replaces arginine 1436 with histidine.
Molecular consequence: missense variant.
Genome position (GRCh38, 1-based): chr19:36,104,671, G>A. VCF-style: chr19-36104671-G-A. GRCh37 (hg19) VCF-style: chr19-36595573-G-A.
Other names: c.4292G>A, p.Arg1431His (NM_173636.5); short protein forms R1431H, R1436H.
Identifiers: ClinVar variation 1313740 (VCV001313740.6), dbSNP rs146018199, ClinGen allele CA9396524.